The following is an entry in ClinVar:

ClinVar aggregate classification (germline): Uncertain significance (1 of 4 stars; one submission).

Submission:

GeneDx
Classification: Uncertain significance. Last evaluated: 2024-07-31. Review status: criteria provided, single submitter. Criteria: GeneDx Variant Classification Process June 2021. Collection method: clinical testing. Allele origin: germline. Affected: yes.
Comment: Not observed at significant frequency in large population cohorts (gnomAD); In silico analysis supports that this missense variant has a deleterious effect on protein structure/function; Has not been previously published as pathogenic or benign to our knowledge

NM_007289.4(MME):c.184T>C (p.Cys62Arg)

Gene: MME (membrane metalloendopeptidase; plus strand). Cytogenetic location: 3q25.2.
Variant type: single nucleotide variant.
Coding change: c.184T>C on transcript NM_007289.4 (MANE Select); coding-DNA position 184, T replaced by C.
Protein change: p.Cys62Arg; replaces cysteine 62 with arginine.
Molecular consequence: missense variant.
Genome position (GRCh38, 1-based): chr3:155,085,082, T>C. VCF-style: chr3-155085082-T-C. GRCh37 (hg19) VCF-style: chr3-154802871-T-C.
Other names: c.184T>C, p.Cys62Arg (NM_000902.5, NM_001354642.2, NM_001354643.1 and 3 more transcripts); short protein forms C62R.
Identifiers: ClinVar variation 3602544 (VCV003602544.1).